The following is an entry in ClinVar:

NM_003269.5(NR2E1):c.496-3C>T

Gene: NR2E1 (nuclear receptor subfamily 2 group E member 1; plus strand). Cytogenetic location: 6q21.
Variant type: single nucleotide variant.
Coding change: c.496-3C>T on transcript NM_003269.5 (MANE Select); 3 bases into the intron before coding-DNA position 496, C replaced by T.
Molecular consequence: intron variant.
Genome position (GRCh38, 1-based): chr6:108,178,092, C>T. VCF-style: chr6-108178092-C-T. GRCh37 (hg19) VCF-style: chr6-108499296-C-T.
Other names: c.607-3C>T (NM_001286102.1).
Identifiers: ClinVar variation 3048773 (VCV003048773.2), dbSNP rs2233493, ClinGen allele CA3948343.
Genomic context (GRCh38, chr6:108,178,092, plus strand): 5'-TGGTTCTTCTTGCAAAGCTGTGGTTTCCTCACTTCCAGGTGTCTTTCTTTCTTCCCTACC[C>T]AGTACCCCCATGAAGTGAATGGGACCCCAATGTATCTCTATGAAGTGGCCACGGAGTCGG-3'

ClinVar aggregate classification (germline): Benign (0 of 4 stars; one submission).

Conditions:
NR2E1-related disorder. Also called: NR2E1-related condition.

Allele frequency attached by ClinVar (database versions not stated): gnomAD exomes 0.00023; ExAC 0.00072; 1000 Genomes Project 0.00180; 1000 Genomes Project 30x 0.00219; gnomAD 0.00229; ESP Exome Variant Server 0.00238; TOPMed 0.00246.
gnomAD v4.1: 703 of 1,614,190 alleles (0.044%); highest among the groups gnomAD compares: African/African-American, 0.77%; no homozygotes.

Submission:

PreventionGenetics, part of Exact Sciences
Classification: Benign for NR2E1-related condition. Last evaluated: 2019-12-02. Review status: no assertion criteria provided. Collection method: clinical testing. Allele origin: germline.
Comment: This variant is classified as benign based on ACMG/AMP sequence variant interpretation guidelines (Richards et al. 2015 PMID: 25741868, with internal and published modifications).